The following is an entry in ClinVar:

ClinVar aggregate classification (germline): Uncertain significance. Review status: criteria provided, multiple submitters, no conflicts (2 of 4 stars). 2 submissions from 2 submitters: Uncertain significance (2). Last evaluated 2025-08-08.

Allele frequency attached by ClinVar (database versions not stated): TOPMed 0.00004.
gnomAD v4.1: 13 of 1,614,120 alleles (0.00081%); highest among the groups gnomAD compares: African/African-American, 0.013%; no homozygotes.

Submissions (2):

Labcorp Genetics (formerly Invitae), Labcorp
Classification: Uncertain significance. Last evaluated: 2025-08-08. Review status: criteria provided, single submitter. Criteria: Invitae Variant Classification Sherloc (09022015). Collection method: clinical testing. Allele origin: germline.
Comment: This sequence change replaces arginine, which is basic and polar, with proline, which is neutral and non-polar, at codon 235 of the LRRC10 protein (p.Arg235Pro). This variant is present in population databases (no rsID available, gnomAD 0.01%). This variant has not been reported in the literature in individuals affected with LRRC10-related conditions. ClinVar contains an entry for this variant (Variation ID: 861710). An algorithm developed to predict the effect of missense changes on protein structure and function (PolyPhen-2) suggests that this variant is likely to be disruptive. In summary, the available evidence is currently insufficient to determine the role of this variant in disease. Therefore, it has been classified as a Variant of Uncertain Significance.

Ambry Genetics
Classification: Uncertain significance. Last evaluated: 2023-12-17. Review status: criteria provided, single submitter. Criteria: Ambry Variant Classification Scheme 2023. Collection method: clinical testing. Allele origin: germline.

NM_201550.4(LRRC10):c.704G>C (p.Arg235Pro)

Gene: LRRC10 (leucine rich repeat containing 10; minus strand). Cytogenetic location: 12q15.
Variant type: single nucleotide variant.
Coding change: c.704G>C on transcript NM_201550.4 (MANE Select); coding-DNA position 704, G replaced by C.
Protein change: p.Arg235Pro; replaces arginine 235 with proline.
Molecular consequence: missense variant.
Genome position (GRCh38, 1-based): chr12:69,610,135, C>G on the plus strand (G>C on the coding strand, the complement: LRRC10 is on the minus strand). VCF-style: chr12-69610135-C-G. GRCh37 (hg19) VCF-style: chr12-70003915-C-G.
Other names: c.704G>C (NM_201550.2); short protein forms R235P.
Identifiers: ClinVar variation 861710 (VCV000861710.8), dbSNP rs538939242, ClinGen allele CA239126402.